The following is an entry in ClinVar:

ClinVar aggregate classification (germline): Uncertain significance (1 of 4 stars; one submission).

Allele frequency attached by ClinVar (database versions not stated): gnomAD exomes below 0.00001.
gnomAD v4.1: 1 of 1,614,074 alleles (0.000062%); highest among the groups gnomAD compares: Non-Finnish European, 0.000085%; no homozygotes.

Submission:

GeneDx
Classification: Uncertain significance. Last evaluated: 2020-07-08. Review status: criteria provided, single submitter. Criteria: GeneDx Variant Classification Process June 2021. Collection method: clinical testing. Allele origin: germline. Affected: yes.
Comment: Not observed in large population cohorts (Lek et al., 2016); In silico analysis supports that this missense variant does not alter protein structure/function; Has not been previously published as pathogenic or benign to our knowledge

NM_001384140.1(PCDH15):c.1834A>C (p.Ser612Arg)

Gene: PCDH15 (protocadherin related 15; minus strand). Cytogenetic location: 10q21.1.
Variant type: single nucleotide variant.
Coding change: c.1834A>C on transcript NM_001384140.1 (MANE Select); coding-DNA position 1834, A replaced by C.
Protein change: p.Ser612Arg; replaces serine 612 with arginine.
Molecular consequence: missense variant. On other transcripts: intron variant (1).
Genome position (GRCh38, 1-based): chr10:54,132,958, T>G on the plus strand (A>C on the coding strand, the complement: PCDH15 is on the minus strand). VCF-style: chr10-54132958-T-G. GRCh37 (hg19) VCF-style: chr10-55892718-T-G.
Other names: c.1849A>C, p.Ser617Arg (NM_001142763.2, NM_001142771.2); c.1834A>C, p.Ser612Arg (NM_001142764.2, NM_001142766.2, NM_001142770.3 and 5 more transcripts); c.1723A>C, p.Ser575Arg (NM_001142767.2); c.1768A>C, p.Ser590Arg (NM_001142768.2, NM_001142773.2, NM_001354404.2); c.1870A>C, p.Ser624Arg (NM_001142769.4); c.1855A>C, p.Ser619Arg (NM_001354411.2); c.1784+20142A>C (NM_001142765.2); short protein forms S575R, S590R, S612R, S617R, S619R, S624R.
Identifiers: ClinVar variation 1312952 (VCV001312952.2), dbSNP rs2133061496, ClinGen allele CA376515135.